The following is an entry in ClinVar:

NM_018238.4(AGK):c.*1024C>T

Gene: AGK (acylglycerol kinase; plus strand). Cytogenetic location: 7q34.
Variant type: single nucleotide variant.
Coding change: c.*1024C>T on transcript NM_018238.4 (MANE Select); 1024 bases downstream of the stop codon, C replaced by T.
Molecular consequence: 3 prime UTR variant.
Genome position (GRCh38, 1-based): chr7:141,653,948, C>T. VCF-style: chr7-141653948-C-T. GRCh37 (hg19) VCF-style: chr7-141353748-C-T.
Other names: c.*1024C>T (LRG_1251t1).
Identifiers: ClinVar variation 359078 (VCV000359078.29), dbSNP rs78124534, ClinGen allele CA10623341.

ClinVar aggregate classification (germline): Conflicting classifications of pathogenicity. Review status: criteria provided, conflicting classifications (1 of 4 stars). 3 submissions from 2 submitters: Uncertain significance (2); Likely benign (1). Last evaluated 2023-05-01.

Conditions:
Sengers syndrome. Also called: MITOCHONDRIAL DNA DEPLETION SYNDROME 10 (CARDIOMYOPATHIC TYPE); Cardiomyopathy and cataract. Identifiers: Orphanet 1369, MedGen C1859317, MONDO:0008922, OMIM 212350.
Cataract 38. Also called: Cataract, autosomal recessive congenital 5; Cataract 38, autosomal recessive. Identifiers: Orphanet 91492, MedGen C3553494, MONDO:0013859, OMIM 614691.

Allele frequency attached by ClinVar (database versions not stated): gnomAD 0.00609 and 0.00561; 1000 Genomes Project 0.00120; 1000 Genomes Project 30x 0.00141; TOPMed 0.00442.

Submissions (3):

CeGaT Center for Human Genetics Tuebingen
Classification: Likely benign. Last evaluated: 2023-05-01. Review status: criteria provided, single submitter. Criteria: CeGaT Center For Human Genetics Tuebingen Variant Classification Criteria Version 2. Collection method: clinical testing. Allele origin: germline. Affected: yes. Observed: 5 variant alleles.
Comment: AGK: BS2

Illumina Laboratory Services, Illumina
Classification: Uncertain significance for Sengers syndrome. Last evaluated: 2018-01-12. Review status: criteria provided, single submitter. Criteria: ICSL Variant Classification Criteria 13 December 2019. Collection method: clinical testing. Allele origin: germline.

Illumina Laboratory Services, Illumina
Classification: Uncertain significance for Cataract 38. Last evaluated: 2018-01-12. Review status: criteria provided, single submitter. Criteria: ICSL Variant Classification Criteria 13 December 2019. Collection method: clinical testing. Allele origin: germline.